The following is an entry in ClinVar:

ClinVar aggregate classification (germline): Uncertain significance (1 of 4 stars; one submission).

gnomAD v4.1: 6 of 1,075,014 alleles (0.00056%); highest among the groups gnomAD compares: Non-Finnish European, 0.00067%; no homozygotes.

Submission:

GeneDx
Classification: Uncertain significance. Last evaluated: 2024-09-11. Review status: criteria provided, single submitter. Criteria: GeneDx Variant Classification Process June 2021. Collection method: clinical testing. Allele origin: germline. Affected: yes.
Comment: Not observed at significant frequency in large population cohorts (gnomAD); In silico analysis indicates that this missense variant does not alter protein structure/function; Has not been previously published as pathogenic or benign to our knowledge

NM_000836.4(GRIN2D):c.2905G>C (p.Glu969Gln)

Gene: GRIN2D (glutamate ionotropic receptor NMDA type subunit 2D; plus strand). Cytogenetic location: 19q13.33.
Variant type: single nucleotide variant.
Coding change: c.2905G>C on transcript NM_000836.4 (MANE Select); coding-DNA position 2905, G replaced by C.
Protein change: p.Glu969Gln; replaces glutamic acid 969 with glutamine.
Molecular consequence: missense variant.
Genome position (GRCh38, 1-based): chr19:48,442,831, G>C. VCF-style: chr19-48442831-G-C. GRCh37 (hg19) VCF-style: chr19-48946088-G-C.
Other names: short protein forms E969Q.
Identifiers: ClinVar variation 3770074 (VCV003770074.1).